The following is an entry in ClinVar:

ClinVar aggregate classification (germline): Benign/Likely benign. Review status: criteria provided, multiple submitters, no conflicts (2 of 4 stars). 3 submissions from 3 submitters: Benign (1); Likely benign (2). Last evaluated 2026-06-10.

Conditions:
Tumor predisposition syndrome 2 (TPDS2). Also called: MBD4-Related Tumor Predisposition Syndrome; MBD4-associated neoplasia syndrome (MANS); MBD4-ASSOCIATED NEOPLASIA SYNDROME. Identifiers: Orphanet 661526, MedGen C5774186, MONDO:0859267, OMIM 619975.
Inborn genetic diseases. Identifiers: MedGen C0950123, MeSH D030342.

gnomAD v4.1: 7 of 1,614,196 alleles (0.00043%); highest among the groups gnomAD compares: Admixed American, 0.0083%; no homozygotes.

Submissions (3):

Myriad Genetics, Inc.
Classification: Benign for Tumor predisposition syndrome 2. Last evaluated: 2026-06-10. Review status: criteria provided, single submitter. Criteria: Myriad Autosomal Dominant, Autosomal Recessive and X-Linked Classification Criteria (2023). Collection method: clinical testing. Allele origin: unknown.
Comment: This variant is considered benign. This variant is a silent/synonymous amino acid change and it is not expected to impact splicing.

Labcorp Genetics (formerly Invitae), Labcorp
Classification: Likely benign. Last evaluated: 2025-03-04. Review status: criteria provided, single submitter. Criteria: Invitae Variant Classification Sherloc (09022015). Collection method: clinical testing. Allele origin: germline.

Ambry Genetics
Classification: Likely benign for Inborn genetic diseases. Last evaluated: 2025-01-16. Review status: criteria provided, single submitter. Criteria: Ambry Variant Classification Scheme 2023. Collection method: clinical testing. Allele origin: germline.

NM_001276270.2(MBD4):c.1107A>G (p.Glu369=)

Gene: MBD4 (methyl-CpG binding domain 4, DNA glycosylase; minus strand). Cytogenetic location: 3q21.3.
Variant type: single nucleotide variant.
Coding change: c.1107A>G on transcript NM_001276270.2 (MANE Select); coding-DNA position 1107, A replaced by G.
Protein change: p.Glu369=; no amino-acid change (glutamic acid 369 retained).
Molecular consequence: synonymous variant. On other transcripts: intron variant (1).
Genome position (GRCh38, 1-based): chr3:129,436,537, T>C on the plus strand (A>G on the coding strand, the complement: MBD4 is on the minus strand). VCF-style: chr3-129436537-T-C. GRCh37 (hg19) VCF-style: chr3-129155380-T-C.
Other names: c.1107A>G, p.Glu369= (NM_001276271.2, NM_001276272.2, NM_003925.3); c.247+1271A>G (NM_001276273.2).
Identifiers: ClinVar variation 3701052 (VCV003701052.4).